The following is an entry in ClinVar:

ClinVar aggregate classification (germline): Uncertain significance. Review status: criteria provided, multiple submitters, no conflicts (2 of 4 stars). 2 submissions from 2 submitters: Uncertain significance (2). Last evaluated 2024-06-20.

Conditions:
Loeys-Dietz syndrome 4 (LDS4). Also called: ANEURYSM, AORTIC AND CEREBRAL, WITH ARTERIAL TORTUOSITY AND SKELETAL MANIFESTATIONS; TGFB2-Related Loeys-Dietz Syndrome. Identifiers: MedGen C3553762, MONDO:0013897, OMIM 614816.

Submissions (2):

GeneDx
Classification: Uncertain significance. Last evaluated: 2024-06-20. Review status: criteria provided, single submitter. Criteria: GeneDx Variant Classification Process June 2021. Collection method: clinical testing. Allele origin: germline. Affected: yes.
Comment: Has not been previously published as pathogenic or benign to our knowledge; Not observed at significant frequency in large population cohorts (gnomAD); In silico analysis indicates that this missense variant does not alter protein structure/function

Labcorp Genetics (formerly Invitae), Labcorp
Classification: Uncertain significance for Loeys-Dietz syndrome 4. Last evaluated: 2017-11-12. Review status: criteria provided, single submitter. Criteria: Invitae Variant Classification Sherloc (09022015). Collection method: clinical testing. Allele origin: germline.
Comment: In summary, the available evidence is currently insufficient to determine the role of this variant in disease. Therefore, it has been classified as a Variant of Uncertain Significance. Algorithms developed to predict the effect of missense changes on protein structure and function do not agree on the potential impact of this missense change (SIFT: "Tolerated"; PolyPhen-2: "Possibly Damaging"; Align-GVGD: "Class C0"). This variant has not been reported in the literature in individuals with TGFB2-related disease. This variant is not present in population databases (ExAC no frequency). This sequence change replaces leucine with proline at codon 6 of the TGFB2 protein (p.Leu6Pro). The leucine residue is highly conserved and there is a moderate physicochemical difference between leucine and proline.

NM_003238.6(TGFB2):c.17T>C (p.Leu6Pro)

Gene: TGFB2 (transforming growth factor beta 2; plus strand). Cytogenetic location: 1q41.
Variant type: single nucleotide variant.
Coding change: c.17T>C on transcript NM_003238.6 (MANE Select); coding-DNA position 17, T replaced by C.
Protein change: p.Leu6Pro; replaces leucine 6 with proline.
Molecular consequence: missense variant. On other transcripts: non-coding transcript variant (2).
Genome position (GRCh38, 1-based): chr1:218,346,718, T>C. VCF-style: chr1-218346718-T-C. GRCh37 (hg19) VCF-style: chr1-218520060-T-C.
Other names: c.17T>C, p.Leu6Pro (NM_001135599.4); short protein forms L6P.
Identifiers: ClinVar variation 528885 (VCV000528885.12), dbSNP rs1553292060, ClinGen allele CA344725105.
Genomic context (GRCh38, chr1:218,346,718, plus strand): 5'-ATTCTGACTTTTAAAAACAACTTTTTTTTCCACTTTTTTAAAAAATGCACTACTGTGTGC[T>C]GAGCGCTTTTCTGATCCTGCATCTGGTCACGGTCGCGCTCAGCCTGTCTACCTGCAGCAC-3'
Protein context (NP_003229.1, residues 1-16): MHYCV[Leu6Pro]SAFLILHLVT